The following is an entry in ClinVar:

NM_006514.4(SCN10A):c.2591C>T (p.Ser864Phe)

Gene: SCN10A (sodium voltage-gated channel alpha subunit 10; minus strand). Cytogenetic location: 3p22.2.
Variant type: single nucleotide variant.
Coding change: c.2591C>T on transcript NM_006514.4 (MANE Select); coding-DNA position 2591, C replaced by T.
Protein change: p.Ser864Phe; replaces serine 864 with phenylalanine.
Molecular consequence: missense variant.
Genome position (GRCh38, 1-based): chr3:38,728,591, G>A on the plus strand (C>T on the coding strand, the complement: SCN10A is on the minus strand). VCF-style: chr3-38728591-G-A. GRCh37 (hg19) VCF-style: chr3-38770082-G-A.
Other names: c.2591C>T, p.Ser864Phe (NM_001293306.2); c.2297C>T, p.Ser766Phe (NM_001293307.2); short protein forms S864F, S766F.
Identifiers: ClinVar variation 4744576 (VCV004744576.1).

ClinVar aggregate classification (germline): Uncertain significance (1 of 4 stars; one submission).

Conditions:
Brugada syndrome. Also called: Sudden Unexplained Death Syndrome; Sudden unexpected nocturnal death syndrome; Sudden Unexplained Nocturnal Death Syndrome (SUNDS); Sudden unexplained nocturnal death syndrome. Identifiers: Orphanet 130, MedGen C1142166, MONDO:0015263.

Submission:

Labcorp Genetics (formerly Invitae), Labcorp
Classification: Uncertain significance for Brugada syndrome. Last evaluated: 2025-10-05. Review status: criteria provided, single submitter. Criteria: Invitae Variant Classification Sherloc (09022015). Collection method: clinical testing. Allele origin: germline.
Comment: This sequence change replaces serine, which is neutral and polar, with phenylalanine, which is neutral and non-polar, at codon 864 of the SCN10A protein (p.Ser864Phe). This variant is not present in population databases (gnomAD no frequency). This variant has not been reported in the literature in individuals affected with SCN10A-related conditions. Invitae Evidence Modeling of protein sequence and biophysical properties (such as structural, functional, and spatial information, amino acid conservation, physicochemical variation, residue mobility, and thermodynamic stability) indicates that this missense variant is not expected to disrupt SCN10A protein function with a negative predictive value of 80%. In summary, the available evidence is currently insufficient to determine the role of this variant in disease. Therefore, it has been classified as a Variant of Uncertain Significance.